The following is an entry in ClinVar:

NM_000186.4(CFH):c.820A>G (p.Asn274Asp)

Gene: CFH (complement factor H; plus strand). Cytogenetic location: 1q31.3.
Variant type: single nucleotide variant.
Coding change: c.820A>G on transcript NM_000186.4 (MANE Select); coding-DNA position 820, A replaced by G.
Protein change: p.Asn274Asp; replaces asparagine 274 with aspartic acid.
Molecular consequence: missense variant.
Genome position (GRCh38, 1-based): chr1:196,685,093, A>G. VCF-style: chr1-196685093-A-G. GRCh37 (hg19) VCF-style: chr1-196654223-A-G.
Other names: c.820A>G, p.Asn274Asp (NM_001014975.3); short protein forms N274D.
Identifiers: ClinVar variation 2841377 (VCV002841377.3), dbSNP rs2529370808, ClinGen allele CA343978598.

ClinVar aggregate classification (germline): Uncertain significance (1 of 4 stars; one submission).

Submission:

Labcorp Genetics (formerly Invitae), Labcorp
Classification: Uncertain significance. Last evaluated: 2024-07-12. Review status: criteria provided, single submitter. Criteria: Invitae Variant Classification Sherloc (09022015). Collection method: clinical testing. Allele origin: germline.
Comment: This sequence change replaces asparagine, which is neutral and polar, with aspartic acid, which is acidic and polar, at codon 274 of the CFH protein (p.Asn274Asp). This variant is not present in population databases (gnomAD no frequency). This variant has not been reported in the literature in individuals affected with CFH-related conditions. An algorithm developed to predict the effect of missense changes on protein structure and function (PolyPhen-2) suggests that this variant is likely to be disruptive. Algorithms developed to predict the effect of sequence changes on RNA splicing suggest that this variant may disrupt the consensus splice site. In summary, the available evidence is currently insufficient to determine the role of this variant in disease. Therefore, it has been classified as a Variant of Uncertain Significance.